The following is an entry in ClinVar:

NM_030624.3(KLHL15):c.1768C>G (p.Leu590Val)

Gene: KLHL15 (kelch like family member 15; minus strand). Cytogenetic location: Xp22.11.
Variant type: single nucleotide variant.
Coding change: c.1768C>G on transcript NM_030624.3 (MANE Select); coding-DNA position 1768, C replaced by G.
Protein change: p.Leu590Val; replaces leucine 590 with valine.
Molecular consequence: missense variant.
Genome position (GRCh38, 1-based): chrX:23,987,968, G>C on the plus strand (C>G on the coding strand, the complement: KLHL15 is on the minus strand). VCF-style: chrX-23987968-G-C. GRCh37 (hg19) VCF-style: chrX-24006085-G-C.
Other names: short protein forms L590V.
Identifiers: ClinVar variation 5017818 (VCV005017818.1).

ClinVar aggregate classification (germline): Uncertain significance (1 of 4 stars; one submission).

Submission:

GeneDx
Classification: Uncertain significance. Last evaluated: 2026-03-28. Review status: criteria provided, single submitter. Criteria: GeneDx Variant Classification Process June 2021. Collection method: clinical testing. Allele origin: germline.
Comment: Not observed at significant frequency in large population cohorts (gnomAD); In silico analysis suggests that this missense variant does not alter protein structure/function; Has not been previously published as pathogenic or benign to our knowledge